The following is an entry in ClinVar:

NM_004360.5(CDH1):c.1009-1G>C

Gene: CDH1 (cadherin 1; plus strand). Cytogenetic location: 16q22.1.
Variant type: single nucleotide variant.
Coding change: c.1009-1G>C on transcript NM_004360.5 (MANE Select); the canonical splice acceptor site of the intron before coding-DNA position 1009, G replaced by C.
Molecular consequence: splice acceptor variant.
Genome position (GRCh38, 1-based): chr16:68,812,134, G>C. VCF-style: chr16-68812134-G-C. GRCh37 (hg19) VCF-style: chr16-68846037-G-C.
Other names: c.-607-1G>C (NM_001317185.2); c.-811-1G>C (NM_001317186.2); c.1009-1G>C (NM_001317184.2).
Identifiers: ClinVar variation 803267 (VCV000803267.8), dbSNP rs1597894632, ClinGen allele CA396459913.

ClinVar aggregate classification (germline): Pathogenic/Likely pathogenic. Review status: criteria provided, multiple submitters, no conflicts (2 of 4 stars). 3 submissions from 3 submitters: Pathogenic (1); Likely pathogenic (2). Last evaluated 2025-06-25.

Conditions:
Hereditary diffuse gastric adenocarcinoma (HDGC). Also called: DIFFUSE GASTRIC AND LOBULAR BREAST CANCER SYNDROME. Identifiers: Orphanet 26106, MedGen C1708349, MONDO:0007648, OMIM 137215.
Hereditary cancer-predisposing syndrome. Also called: Hereditary Cancer Syndrome; Neoplastic Syndromes, Hereditary; Hereditary neoplastic syndrome; Tumor predisposition. Identifiers: Orphanet 140162, MedGen C0027672, MeSH D009386, MONDO:0015356.

Submissions (3):

Ambry Genetics
Classification: Pathogenic for Hereditary cancer-predisposing syndrome. Last evaluated: 2025-06-25. Review status: criteria provided, single submitter. Criteria: Ambry Variant Classification Scheme 2023. Collection method: clinical testing. Allele origin: germline.
Comment: The c.1009-1G>C intronic pathogenic mutation results from a G to C substitution one nucleotide upstream from coding exon 8 of the CDH1 gene. This variant was reported in individual(s) with features consistent with CDH-1 related diffuse gastric cancer(Ambry internal data). This variant is considered to be rare based on population cohorts in the Genome Aggregation Database (gnomAD). This nucleotide position is highly conserved in available vertebrate species. In silico splice site analysis predicts that this alteration will weaken the native splice acceptor site and will result in the creation or strengthening of a novel splice acceptor site. RNA studies have demonstrated that this alteration results in abnormal splicing in the set of samples tested (Ambry internal data). Alterations that disrupt the canonical splice site are expected to cause aberrant splicing, resulting in an abnormal protein or a transcript that is subject to nonsense-mediated mRNA decay. As such, this alteration is classified as a disease-causing mutation.

Labcorp Genetics (formerly Invitae), Labcorp
Classification: Likely pathogenic for Hereditary diffuse gastric adenocarcinoma. Last evaluated: 2025-05-28. Review status: criteria provided, single submitter. Criteria: Invitae Variant Classification Sherloc (09022015). Collection method: clinical testing. Allele origin: germline.
Comment: This sequence change affects an acceptor splice site in intron 7 of the CDH1 gene. It is expected to disrupt RNA splicing. Variants that disrupt the donor or acceptor splice site typically lead to a loss of protein function (PMID: 16199547), and loss-of-function variants in CDH1 are known to be pathogenic (PMID: 15235021, 20373070). This variant is not present in population databases (gnomAD no frequency). This variant has not been reported in the literature in individuals affected with CDH1-related conditions. ClinVar contains an entry for this variant (Variation ID: 803267). Algorithms developed to predict the effect of sequence changes on RNA splicing suggest that this variant may disrupt the consensus splice site. In summary, the currently available evidence indicates that the variant is pathogenic, but additional data are needed to prove that conclusively. Therefore, this variant has been classified as Likely Pathogenic.

Mendelics
Classification: Likely pathogenic for Hereditary diffuse gastric adenocarcinoma. Last evaluated: 2019-05-28. Review status: criteria provided, single submitter. Criteria: Mendelics Assertion Criteria 2017. Collection method: clinical testing. Allele origin: unknown.

Literature cited by the submitters: PubMed 16199547 (cited by Labcorp Genetics (formerly Invitae), Labcorp); PubMed 15235021 (cited by Labcorp Genetics (formerly Invitae), Labcorp); PubMed 20373070 (cited by Labcorp Genetics (formerly Invitae), Labcorp).